The following is an entry in ClinVar:

NM_004655.4(AXIN2):c.14T>G (p.Met5Arg)

Gene: AXIN2 (axin 2; minus strand). Cytogenetic location: 17q24.1.
Variant type: single nucleotide variant.
Coding change: c.14T>G on transcript NM_004655.4 (MANE Select); coding-DNA position 14, T replaced by G.
Protein change: p.Met5Arg; replaces methionine 5 with arginine.
Molecular consequence: missense variant.
Genome position (GRCh38, 1-based): chr17:65,558,607, A>C on the plus strand (T>G on the coding strand, the complement: AXIN2 is on the minus strand). VCF-style: chr17-65558607-A-C. GRCh37 (hg19) VCF-style: chr17-63554725-A-C.
Other names: p.M5R:ATG>AGG; c.14T>G (LRG_296t1); c.14T>G, p.Met5Arg (NM_001363813.1); short protein forms M5R.
Identifiers: ClinVar variation 182005 (VCV000182005.18), dbSNP rs730881397, ClinGen allele CA298383.

ClinVar aggregate classification (germline): Uncertain significance. Review status: criteria provided, multiple submitters, no conflicts (2 of 4 stars). 6 submissions from 6 submitters: Uncertain significance (6). Last evaluated 2025-08-18.

Conditions:
Colorectal cancer. Also called: Colorectal cancer, somatic; Malignant Colorectal Neoplasm. Identifiers: MedGen C0346629, MONDO:0005575, OMIM 114500.
Hereditary cancer-predisposing syndrome. Also called: Tumor predisposition; Hereditary Cancer Syndrome; Hereditary neoplastic syndrome; Neoplastic Syndromes, Hereditary. Identifiers: Orphanet 140162, MedGen C0027672, MeSH D009386, MONDO:0015356.
Oligodontia-cancer predisposition syndrome. Also called: TOOTH AGENESIS-COLORECTAL CANCER SYNDROME. Identifiers: Orphanet 300576, MedGen C1837750, MONDO:0012075, OMIM 608615. Disease mechanism: loss of function.

Allele frequency attached by ClinVar (database versions not stated): gnomAD exomes below 0.00001.
gnomAD v4.1: 1 of 1,607,790 alleles (0.000062%); highest among the groups gnomAD compares: Non-Finnish European, 0.000085%; no homozygotes.

Submissions (6):

Labcorp Genetics (formerly Invitae), Labcorp
Classification: Uncertain significance for Oligodontia-cancer predisposition syndrome. Last evaluated: 2025-08-18. Review status: criteria provided, single submitter. Criteria: Invitae Variant Classification Sherloc (09022015). Collection method: clinical testing. Allele origin: germline.
Comment: This sequence change replaces methionine, which is neutral and non-polar, with arginine, which is basic and polar, at codon 5 of the AXIN2 protein (p.Met5Arg). This variant is not present in population databases (gnomAD no frequency). This variant has not been reported in the literature in individuals affected with AXIN2-related conditions. ClinVar contains an entry for this variant (Variation ID: 182005). An algorithm developed to predict the effect of missense changes on protein structure and function (PolyPhen-2) suggests that this variant is likely to be tolerated. RNA analysis performed to evaluate the impact of this missense change on mRNA splicing indicates it does not significantly alter splicing (internal data). In summary, the available evidence is currently insufficient to determine the role of this variant in disease. Therefore, it has been classified as a Variant of Uncertain Significance.

Ambry Genetics
Classification: Uncertain significance for Hereditary cancer-predisposing syndrome. Last evaluated: 2025-03-14. Review status: criteria provided, single submitter. Criteria: Ambry Variant Classification Scheme 2023. Collection method: clinical testing. Allele origin: germline.
Comment: The p.M5R variant (also known as c.14T>G), located in coding exon 1 of the AXIN2 gene, results from a T to G substitution at nucleotide position 14. The methionine at codon 5 is replaced by arginine, an amino acid with similar properties. This amino acid position is poorly conserved in available vertebrate species. In addition, this alteration is predicted to be tolerated by in silico analysis. Since supporting evidence is limited at this time, the clinical significance of this alteration remains unclear.

Baylor Genetics
Classification: Uncertain significance for Colorectal cancer. Last evaluated: 2023-06-23. Review status: criteria provided, single submitter. Criteria: ACMG Guidelines, 2015. Collection method: clinical testing. Allele origin: unknown.

GeneDx
Classification: Uncertain significance. Last evaluated: 2023-04-12. Review status: criteria provided, single submitter. Criteria: GeneDx Variant Classification Process June 2021. Collection method: clinical testing. Allele origin: germline. Affected: yes.
Comment: Not observed at significant frequency in large population cohorts (gnomAD); In silico analysis supports that this missense variant does not alter protein structure/function; Has not been previously published as pathogenic or benign to our knowledge; This variant is associated with the following publications: (PMID: 26061684)

Sema4
Classification: Uncertain significance for Hereditary cancer-predisposing syndrome. Last evaluated: 2021-08-23. Review status: criteria provided, single submitter. Criteria: Sema4 Curation Guidelines. Collection method: curation. Allele origin: germline.
Comment: The AXIN2 c.14T>G (p.M5R) variant has not been reported in literature to our knowledge. It was not observed in the large and broad cohorts of the Genome Aggregation Database (PMID: 32461654). This variant has been reported in ClinVar (Variation ID 182005). In silico tools suggest the impact of the variant on protein function is benign, though these predictions have not been confirmed by functional studies. The overall evidence is insufficient to meet ACMG/AMP criteria for classifying it as benign or pathogenic. In summary, the clinical significance of this variant is currently uncertain.

Breakthrough Genomics
Classification: Uncertain significance. Review status: criteria provided, single submitter. Criteria: ACMG Guidelines, 2015. Collection method: not provided. Allele origin: germline. Inheritance: Autosomal recessive inheritance. Affected: yes.